The following is an entry in ClinVar:

ClinVar aggregate classification (germline): Likely benign. Review status: criteria provided, multiple submitters, no conflicts (2 of 4 stars). 4 submissions from 4 submitters: Likely benign (4). Last evaluated 2026-01-12.

Allele frequency attached by ClinVar (database versions not stated): 1000 Genomes Project 0.00020; 1000 Genomes Project 30x 0.00031; gnomAD 0.00066 and 0.00069; gnomAD exomes 0.00066 and 0.00083; TOPMed 0.00071; ExAC 0.00072; ESP Exome Variant Server 0.00077.
gnomAD v4.1: 1,298 of 1,614,116 alleles (0.08%); highest among the groups gnomAD compares: Non-Finnish European, 0.1%; no homozygotes.

Submissions (4):

Labcorp Genetics (formerly Invitae), Labcorp
Classification: Likely benign. Last evaluated: 2026-01-12. Review status: criteria provided, single submitter. Criteria: Invitae Variant Classification Sherloc (09022015). Collection method: clinical testing. Allele origin: germline.

CeGaT Center for Human Genetics Tuebingen
Classification: Likely benign. Last evaluated: 2025-11-01. Review status: criteria provided, single submitter. Criteria: CeGaT Center For Human Genetics Tuebingen Variant Classification Criteria Version 2. Collection method: clinical testing. Allele origin: germline. Affected: yes. Observed: 8 variant alleles.
Comment: CIT: BP4, BP7

GeneDx
Classification: Likely benign. Last evaluated: 2020-03-01. Review status: criteria provided, single submitter. Criteria: GeneDx Variant Classification (06012015). Collection method: clinical testing. Allele origin: germline. Affected: yes.

Breakthrough Genomics
Classification: Likely benign. Review status: criteria provided, single submitter. Criteria: ACMG Guidelines, 2015. Collection method: not provided. Allele origin: germline. Inheritance: Autosomal recessive inheritance. Affected: yes.

NM_001206999.2(CIT):c.840C>T (p.Tyr280=)

Gene: CIT (citron rho-interacting serine/threonine kinase; minus strand). Cytogenetic location: 12q24.23.
Variant type: single nucleotide variant.
Coding change: c.840C>T on transcript NM_001206999.2 (MANE Select); coding-DNA position 840, C replaced by T.
Protein change: p.Tyr280=; no amino-acid change (tyrosine 280 retained).
Molecular consequence: synonymous variant.
Genome position (GRCh38, 1-based): chr12:119,825,282, G>A on the plus strand (C>T on the coding strand, the complement: CIT is on the minus strand). VCF-style: chr12-119825282-G-A. GRCh37 (hg19) VCF-style: chr12-120263086-G-A.
Other names: c.840C>T, p.Tyr280= (NM_007174.3).
Identifiers: ClinVar variation 734765 (VCV000734765.34), dbSNP rs56011640, ClinGen allele CA6822274.